The following is an entry in ClinVar:

ClinVar aggregate classification (germline): Uncertain significance. Review status: criteria provided, multiple submitters, no conflicts (2 of 4 stars). 2 submissions from 2 submitters: Uncertain significance (2). Last evaluated 2025-07-16.

Conditions:
Charcot-Marie-Tooth disease type 2. Also called: Charcot-Marie-Tooth type 2. Identifiers: Orphanet 64746, MedGen C0270914, MONDO:0018993.

Allele frequency attached by ClinVar (database versions not stated): TOPMed 0.00001; ESP Exome Variant Server 0.00008; gnomAD exomes 0.00003; ExAC 0.00001.
gnomAD v4.1: 47 of 1,610,642 alleles (0.0029%); highest among the groups gnomAD compares: Non-Finnish European, 0.0039%; no homozygotes.

Submissions (2):

Women's Health and Genetics/Laboratory Corporation of America, LabCorp
Classification: Uncertain significance. Last evaluated: 2025-07-16. Review status: criteria provided, single submitter. Criteria: LabCorp Variant Classification Summary - May 2015. Collection method: clinical testing. Allele origin: germline.
Comment: Variant summary: MED25 c.1775C>T (p.Pro592Leu) results in a non-conservative amino acid change in the encoded protein sequence. Algorithms developed to predict the effect of missense changes on protein structure and function are either unavailable or do not agree on the potential impact of this missense change. The variant allele was found at a frequency of 4.2e-06 in 238338 control chromosomes. The available data on variant occurrences in the general population are insufficient to allow any conclusion about variant significance. To our knowledge, no occurrence of c.1775C>T in individuals affected with Congenital cataract-microcephaly-nevus flammeus simplex-severe intellectual disability syndrome and no experimental evidence demonstrating its impact on protein function have been reported. ClinVar contains an entry for this variant (Variation ID: 2080558). Based on the evidence outlined above, the variant was classified as uncertain significance.

Labcorp Genetics (formerly Invitae), Labcorp
Classification: Uncertain significance for Charcot-Marie-Tooth disease type 2. Last evaluated: 2022-05-30. Review status: criteria provided, single submitter. Criteria: Invitae Variant Classification Sherloc (09022015). Collection method: clinical testing. Allele origin: germline.
Comment: This sequence change replaces proline, which is neutral and non-polar, with leucine, which is neutral and non-polar, at codon 592 of the MED25 protein (p.Pro592Leu). This variant is present in population databases (rs375857851, gnomAD 0.001%). This variant has not been reported in the literature in individuals affected with MED25-related conditions. Algorithms developed to predict the effect of missense changes on protein structure and function are either unavailable or do not agree on the potential impact of this missense change (SIFT: "Deleterious"; PolyPhen-2: "Benign"; Align-GVGD: "Class C0"). In summary, the available evidence is currently insufficient to determine the role of this variant in disease. Therefore, it has been classified as a Variant of Uncertain Significance.

NM_030973.4(MED25):c.1775C>T (p.Pro592Leu)

Gene: MED25 (mediator complex subunit 25; plus strand). Cytogenetic location: 19q13.33.
Variant type: single nucleotide variant.
Coding change: c.1775C>T on transcript NM_030973.4 (MANE Select); coding-DNA position 1775, C replaced by T.
Protein change: p.Pro592Leu; replaces proline 592 with leucine.
Molecular consequence: missense variant.
Genome position (GRCh38, 1-based): chr19:49,835,755, C>T. VCF-style: chr19-49835755-C-T. GRCh37 (hg19) VCF-style: chr19-50339012-C-T.
Other names: c.1775C>T, p.Pro592Leu (NM_001378355.1); short protein forms P592L.
Identifiers: ClinVar variation 2080558 (VCV002080558.5), dbSNP rs375857851, ClinGen allele CA9585377.